The following is an entry in ClinVar:

ClinVar aggregate classification (germline): Uncertain significance (1 of 4 stars; one submission).

Conditions:
Ataxia-telangiectasia syndrome (AT). Also called: ATAXIA-TELANGIECTASIA, FRESNO VARIANT; Ataxia-telangiectasia, complementation group E; Ataxia telangiectasia (A-T); Cerebello-oculocutaneous telangiectasia; Immunodeficiency with ataxia telangiectasia; LOUIS-BAR SYNDROME. Identifiers: Orphanet 100, MedGen C0004135, MONDO:0008840, OMIM 208900.

Submission:

Labcorp Genetics (formerly Invitae), Labcorp
Classification: Uncertain significance for Ataxia-telangiectasia syndrome. Last evaluated: 2018-07-16. Review status: criteria provided, single submitter. Criteria: Invitae Variant Classification Sherloc (09022015). Collection method: clinical testing. Allele origin: germline.
Comment: In summary, the available evidence is currently insufficient to determine the role of this variant in disease. Therefore, it has been classified as a Variant of Uncertain Significance. Algorithms developed to predict the effect of missense changes on protein structure and function (SIFT, PolyPhen-2, Align-GVGD) all suggest that this variant is likely to be disruptive, but these predictions have not been confirmed by published functional studies and their clinical significance is uncertain. This variant has not been reported in the literature in individuals with ATM-related disease. This variant is not present in population databases (ExAC no frequency). This sequence change replaces lysine with threonine at codon 1170 of the ATM protein (p.Lys1170Thr). The lysine residue is highly conserved and there is a moderate physicochemical difference between lysine and threonine.

NM_000051.4(ATM):c.3509A>C (p.Lys1170Thr)

Gene: ATM (ATM serine/threonine kinase; plus strand). Cytogenetic location: 11q22.3.
Variant type: single nucleotide variant.
Coding change: c.3509A>C on transcript NM_000051.4 (MANE Select); coding-DNA position 3509, A replaced by C.
Protein change: p.Lys1170Thr; replaces lysine 1170 with threonine.
Molecular consequence: missense variant.
Genome position (GRCh38, 1-based): chr11:108,281,101, A>C. VCF-style: chr11-108281101-A-C. GRCh37 (hg19) VCF-style: chr11-108151828-A-C.
Other names: c.3509A>C, p.Lys1170Thr (NM_001351834.2); short protein forms K1170T.
Identifiers: ClinVar variation 650128 (VCV000650128.8), dbSNP rs1591636761, ClinGen allele CA382519893.